The following is an entry in ClinVar:

NM_004958.4(MTOR):c.6106C>T (p.Arg2036Cys)

Gene: MTOR (mechanistic target of rapamycin kinase; minus strand). Cytogenetic location: 1p36.22.
Variant type: single nucleotide variant.
Coding change: c.6106C>T on transcript NM_004958.4 (MANE Select); coding-DNA position 6106, C replaced by T.
Protein change: p.Arg2036Cys; replaces arginine 2036 with cysteine.
Molecular consequence: missense variant.
Genome position (GRCh38, 1-based): chr1:11,127,734, G>A on the plus strand (C>T on the coding strand, the complement: MTOR is on the minus strand). VCF-style: chr1-11127734-G-A. GRCh37 (hg19) VCF-style: chr1-11187791-G-A.
Other names: c.6106C>T, p.Arg2036Cys (NM_001386500.1); c.4858C>T, p.Arg1620Cys (NM_001386501.1); short protein forms R1620C, R2036C.
Identifiers: ClinVar variation 1035502 (VCV001035502.8), dbSNP rs1642913161, ClinGen allele CA338393901.
Genomic context (GRCh38, chr1:11,127,734, plus strand): 5'-CATGCAAGGGCTCCAGCACCTCAAACATGCCTTTCACGTTCCTTTCCCCAAAGTACAAAC[G>A]AGATGCCTCTTCCAGGCCTTCATGCCACATCTCATGCCAGAGGATGGCCACTCGGATCAG-3'
Protein context (NP_004949.1, residues 2026-2046): MWHEGLEEAS[Arg2036Cys]LYFGERNVKG

ClinVar aggregate classification (germline): Uncertain significance (1 of 4 stars; one submission).

Submission:

Labcorp Genetics (formerly Invitae), Labcorp
Classification: Uncertain significance. Last evaluated: 2020-05-20. Review status: criteria provided, single submitter. Criteria: Invitae Variant Classification Sherloc (09022015). Collection method: clinical testing. Allele origin: germline.
Comment: In summary, the available evidence is currently insufficient to determine the role of this variant in disease. Therefore, it has been classified as a Variant of Uncertain Significance. Algorithms developed to predict the effect of missense changes on protein structure and function are either unavailable or do not agree on the potential impact of this missense change (SIFT: "Deleterious"; PolyPhen-2: "Probably Damaging"; Align-GVGD: "Class C0"). This variant has not been reported in the literature in individuals with MTOR-related conditions. This variant is not present in population databases (ExAC no frequency). This sequence change replaces arginine with cysteine at codon 2036 of the MTOR protein (p.Arg2036Cys). The arginine residue is highly conserved and there is a large physicochemical difference between arginine and cysteine.